The following is an entry in ClinVar:

NM_004655.4(AXIN2):c.221C>G (p.Pro74Arg)

Gene: AXIN2 (axin 2; minus strand). Cytogenetic location: 17q24.1.
Variant type: single nucleotide variant.
Coding change: c.221C>G on transcript NM_004655.4 (MANE Select); coding-DNA position 221, C replaced by G.
Protein change: p.Pro74Arg; replaces proline 74 with arginine.
Molecular consequence: missense variant.
Genome position (GRCh38, 1-based): chr17:65,558,400, G>C on the plus strand (C>G on the coding strand, the complement: AXIN2 is on the minus strand). VCF-style: chr17-65558400-G-C. GRCh37 (hg19) VCF-style: chr17-63554518-G-C.
Other names: c.221C>G, p.Pro74Arg (NM_001363813.1); short protein forms P74R.
Identifiers: ClinVar variation 5032674 (VCV005032674.1).

ClinVar aggregate classification (germline): Uncertain significance (1 of 4 stars; one submission).

Conditions:
Hereditary cancer-predisposing syndrome. Also called: Neoplastic Syndromes, Hereditary; Tumor predisposition; Hereditary neoplastic syndrome; Hereditary Cancer Syndrome. Identifiers: Orphanet 140162, MedGen C0027672, MeSH D009386, MONDO:0015356.

Submission:

Ambry Genetics
Classification: Uncertain significance for Hereditary cancer-predisposing syndrome. Last evaluated: 2026-08-15. Review status: criteria provided, single submitter. Criteria: Ambry Variant Classification Scheme 2023. Collection method: clinical testing. Allele origin: germline.
Comment: The p.P74R variant (also known as c.221C>G), located in coding exon 1 of the AXIN2 gene, results from a C to G substitution at nucleotide position 221. The proline at codon 74 is replaced by arginine, an amino acid with dissimilar properties. This amino acid position is conserved. In addition, the in silico prediction for this alteration is inconclusive. Based on the available evidence, the clinical significance of this variant remains unclear.